The following is an entry in ClinVar:

NM_000022.4(ADA):c.445dup (p.Arg149fs)

Gene: ADA (adenosine deaminase; minus strand). Cytogenetic location: 20q13.12.
Variant type: Duplication.
Coding change: c.445dup on transcript NM_000022.4 (MANE Select); coding-DNA position 445, one base duplicated (C; older notation c.445dupC).
Protein change: p.Arg149fs; shifts the reading frame from arginine 149.
Molecular consequence: frameshift variant. On other transcripts: non-coding transcript variant (1), intron variant (1).
Genome position (GRCh38, 1-based): chr20:44,625,602, G duplicated on the plus strand (C on the coding strand, the reverse complement: ADA is on the minus strand); the first of 3 consecutive G bases (chr20:44,625,602-44,625,604); duplicating any one gives the same sequence. VCF-style (leftmost placement, unchanged base first): chr20-44625601-C-CG. GRCh37 (hg19) VCF-style: chr20-43254242-C-CG.
Other names: c.445dup, p.Arg149fs (NM_001322051.2); c.73+854dup (NM_001322050.2); short protein forms R149fs.
Identifiers: ClinVar variation 5011901 (VCV005011901.1).

ClinVar aggregate classification (germline): Pathogenic (1 of 4 stars; one submission).

Conditions:
Severe combined immunodeficiency, autosomal recessive, T cell-negative, B cell-negative, NK cell-negative, due to adenosine deaminase deficiency. Also called: ADA-SCID; SCID DUE TO ADA DEFICIENCY; SCID DUE TO ADA DEFICIENCY, EARLY-ONSET; ADA deficiency; Adenosine deaminase deficient severe combined immunodeficiency; Severe combined immunodeficiency due to ADA deficiency. Identifiers: Orphanet 277, MedGen C0392607, MONDO:0007064, OMIM 102700.

Submission:

Myriad Genetics, Inc.
Classification: Pathogenic for Severe combined immunodeficiency, autosomal recessive, T cell-negative, B cell-negative, NK cell-negative, due to adenosine deaminase deficiency. Last evaluated: 2023-09-27. Review status: criteria provided, single submitter. Criteria: Myriad Autosomal Dominant, Autosomal Recessive and X-Linked Classification Criteria (2023). Collection method: clinical testing. Allele origin: unknown.
Comment: NM_000022.2(ADA):c.445dupC(R149Pfs*22) is expected to be pathogenic in the context of adenosine deaminase deficiency. This variant is predicted to lead to an abnormal or absent protein product due to the creation of a premature termination codon in ADA, a gene where loss-of-function variants are known to be pathogenic. Please note: this variant was assessed in the context of healthy population screening.